The following is an entry in ClinVar:

ClinVar aggregate classification (germline): Likely pathogenic. Review status: criteria provided, single submitter (1 of 4 stars). 2 submissions from 2 submitters: Likely pathogenic (1). 1 of the submissions does not count toward it. Last evaluated 2023-12-07.

Conditions:
Spinocerebellar ataxia 50 (SCA50). Identifiers: MedGen C5774272, MONDO:0859334, OMIM 620158.

Submissions (2):

3billion
Classification: Likely pathogenic for Spinocerebellar ataxia 50. Last evaluated: 2023-12-07. Review status: criteria provided, single submitter. Criteria: ACMG Guidelines, 2015. Collection method: clinical testing. Allele origin: germline. Affected: yes.
Comment: The variant is not observed in the gnomAD v2.1.1 dataset. Predicted Consequence/Location: Missense changes are a common disease-causing mechanism. In silico tool predictions suggest damaging effect of the variant on gene or gene product [REVEL: 0.62 (>=0.6, sensitivity 0.68 and specificity 0.92); 3Cnet: 0.76 (>=0.6, sensitivity 0.72 and precision 0.9)]. Same nucleotide change resulting in same amino acid change has been previously reported to be associated with NPTX1-related disorder (ClinVar ID: VCV001806390 /PMID: 35560436). The variant has been previously reported as de novo in a similarly affected individual (PMID: 35560436). Therefore, this variant is classified as Likely pathogenic according to the recommendation of ACMG/AMP guideline.

OMIM
Classification: Pathogenic for SPINOCEREBELLAR ATAXIA 50. Last evaluated: 2022-12-20. Review status: no assertion criteria provided. Collection method: literature only. Allele origin: germline. Not counted in ClinVar's aggregate classification.

Literature cited by the submitters: PubMed 35560436 (cited by 3billion and OMIM).

NM_002522.4(NPTX1):c.1109A>G (p.Gln370Arg)

Gene: NPTX1 (neuronal pentraxin 1; minus strand). Cytogenetic location: 17q25.3.
Variant type: single nucleotide variant.
Coding change: c.1109A>G on transcript NM_002522.4 (MANE Select); coding-DNA position 1109, A replaced by G.
Protein change: p.Gln370Arg; replaces glutamine 370 with arginine.
Molecular consequence: missense variant.
Genome position (GRCh38, 1-based): chr17:80,471,003, T>C on the plus strand (A>G on the coding strand, the complement: NPTX1 is on the minus strand). VCF-style: chr17-80471003-T-C. GRCh37 (hg19) VCF-style: chr17-78444803-T-C.
Other names: short protein forms Q370R.
Identifiers: ClinVar variation 1806390 (VCV001806390.2), dbSNP rs2509777083, ClinGen allele CA401383981.
Genomic context (GRCh38, chr17:80,471,003, plus strand): 5'-TCCCCGGGGGTCAGCTTGCGGTCCCAGATGTTGAAGTGGGCCAGCTCACCCACAAATGCC[T>C]GGGTGGCATCAAACCCACCACCCAGAGTGTCCTTCAGAGAAAAACAGAGGATGAGAGTGG-3'
Protein context (NP_002513.2, residues 360-380): DTLGGGFDAT[Gln370Arg]AFVGELAHFN